The following is an entry in ClinVar:

NM_004006.3(DMD):c.4573A>T (p.Thr1525Ser)

Gene: DMD (dystrophin; minus strand). Cytogenetic location: Xp21.1.
Variant type: single nucleotide variant.
Coding change: c.4573A>T on transcript NM_004006.3 (MANE Select); coding-DNA position 4573, A replaced by T.
Protein change: p.Thr1525Ser; replaces threonine 1525 with serine.
Molecular consequence: missense variant.
Genome position (GRCh38, 1-based): chrX:32,386,411, T>A on the plus strand (A>T on the coding strand, the complement: DMD is on the minus strand). VCF-style: chrX-32386411-T-A. GRCh37 (hg19) VCF-style: chrX-32404528-T-A.
Other names: c.4549A>T, p.Thr1517Ser (NM_000109.4); c.4561A>T, p.Thr1521Ser (NM_004009.3); c.4204A>T, p.Thr1402Ser (NM_004010.3); c.550A>T, p.Thr184Ser (NM_004011.4); c.541A>T, p.Thr181Ser (NM_004012.4); short protein forms T1521S, T1402S, T1517S, T184S, T1525S, T181S.
Identifiers: ClinVar variation 1388181 (VCV001388181.7), dbSNP rs751320057, ClinGen allele CA10378915.

ClinVar aggregate classification (germline): Uncertain significance (1 of 4 stars; one submission).

Conditions:
Duchenne muscular dystrophy (DMD). Also called: MUSCULAR DYSTROPHY, PSEUDOHYPERTROPHIC PROGRESSIVE, DUCHENNE TYPE; Duchenne Muscular Dystrophy (DMD). Identifiers: Orphanet 98896, MedGen C0013264, MONDO:0010679, OMIM 310200.

Allele frequency attached by ClinVar (database versions not stated): TOPMed below 0.00001; ExAC 0.00001; gnomAD exomes 0.00001.
gnomAD v4.1: 1 of 1,208,405 alleles (0.000083%); highest among the groups gnomAD compares: East Asian, 0.003%; no homozygotes.

Submission:

Labcorp Genetics (formerly Invitae), Labcorp
Classification: Uncertain significance for Duchenne muscular dystrophy. Last evaluated: 2022-03-22. Review status: criteria provided, single submitter. Criteria: Invitae Variant Classification Sherloc (09022015). Collection method: clinical testing. Allele origin: germline.
Comment: This sequence change replaces threonine, which is neutral and polar, with serine, which is neutral and polar, at codon 1525 of the DMD protein (p.Thr1525Ser). This variant is present in population databases (rs751320057, gnomAD 0.008%), including at least one homozygous and/or hemizygous individual. This variant has not been reported in the literature in individuals affected with DMD-related conditions. Algorithms developed to predict the effect of missense changes on protein structure and function (SIFT, PolyPhen-2, Align-GVGD) all suggest that this variant is likely to be disruptive. In summary, the available evidence is currently insufficient to determine the role of this variant in disease. Therefore, it has been classified as a Variant of Uncertain Significance.